The following is an entry in ClinVar:

ClinVar aggregate classification (germline): Uncertain significance (1 of 4 stars; one submission).

Allele frequency attached by ClinVar (database versions not stated): TOPMed below 0.00001.

Submission:

Ambry Genetics
Classification: Uncertain significance. Last evaluated: 2023-08-22. Review status: criteria provided, single submitter. Criteria: Ambry Variant Classification Scheme 2023. Collection method: clinical testing. Allele origin: germline.
Comment: The p.A175V variant (also known as c.524C>T), located in coding exon 5 of the RECQL gene, results from a C to T substitution at nucleotide position 524. The alanine at codon 175 is replaced by valine, an amino acid with similar properties. This amino acid position is well conserved in available vertebrate species. In addition, this alteration is predicted to be tolerated by in silico analysis. The evidence for this gene-disease relationship is limited; therefore, the clinical significance of this alteration is unclear.

NM_002907.4(RECQL):c.524C>T (p.Ala175Val)

Gene: RECQL (RecQ like helicase; minus strand). Cytogenetic location: 12p12.1.
Variant type: single nucleotide variant.
Coding change: c.524C>T on transcript NM_002907.4 (MANE Select); coding-DNA position 524, C replaced by T.
Protein change: p.Ala175Val; replaces alanine 175 with valine.
Molecular consequence: missense variant.
Genome position (GRCh38, 1-based): chr12:21,483,552, G>A on the plus strand (C>T on the coding strand, the complement: RECQL is on the minus strand). VCF-style: chr12-21483552-G-A. GRCh37 (hg19) VCF-style: chr12-21636486-G-A.
Other names: c.524C>T, p.Ala175Val (NM_032941.3); short protein forms A175V.
Identifiers: ClinVar variation 2586016 (VCV002586016.2), dbSNP rs1943233299, ClinGen allele CA384127951.